The following is an entry in ClinVar:

ClinVar aggregate classification (germline): Likely pathogenic (0 of 4 stars; one submission).

Conditions:
SLC6A3-related disorder. Also called: SLC6A3-related condition.

Submission:

PreventionGenetics, part of Exact Sciences
Classification: Likely pathogenic for SLC6A3-related condition. Last evaluated: 2024-04-04. Review status: no assertion criteria provided. Collection method: clinical testing. Allele origin: germline.
Comment: The SLC6A3 c.1767+2_1767+3delTG variant is predicted to result in a deletion affecting a canonical splice site. To our knowledge, this variant has not been reported in the literature or in a large population database, indicating this variant is rare. Truncating variants in this gene are expected to be pathogenic. This variant is interpreted as likely pathogenic.

NM_001044.5(SLC6A3):c.1767+2_1767+3del

Gene: SLC6A3 (solute carrier family 6 member 3). Cytogenetic location: 5p15.33.
Variant type: Deletion.
Coding change: c.1767+2_1767+3del on transcript NM_001044.5 (MANE Select); the canonical splice donor site of the intron after coding-DNA position 1767 through 3 bases into the intron after coding-DNA position 1767, this stretch deleted.
Molecular consequence: splice donor variant.
Genome position: GRCh38 VCF-style: chr5-1402918-CCA-C. GRCh37 (hg19) VCF-style: chr5-1403033-CCA-C.
Identifiers: ClinVar variation 3349872 (VCV003349872.1).